The following is an entry in ClinVar:

ClinVar aggregate classification (germline): Uncertain significance. Review status: criteria provided, multiple submitters, no conflicts (2 of 4 stars). 4 submissions from 4 submitters: Uncertain significance (4). Last evaluated 2025-01-25.

Conditions:
Hereditary cancer-predisposing syndrome. Also called: Neoplastic Syndromes, Hereditary; Hereditary Cancer Syndrome; Tumor predisposition; Hereditary neoplastic syndrome. Identifiers: Orphanet 140162, MedGen C0027672, MeSH D009386, MONDO:0015356.
Classic or attenuated familial adenomatous polyposis. Identifiers: MedGen CN372698, MONDO:0021057.
Familial adenomatous polyposis 1 (FAP1). Also called: FAMILIAL ADENOMATOUS POLYPOSIS 1, ATTENUATED; POLYPOSIS, ADENOMATOUS INTESTINAL. Identifiers: MedGen C2713442, MONDO:0021056, OMIM 175100. Disease mechanism: loss of function.

Submissions (4):

Ambry Genetics
Classification: Uncertain significance for Hereditary cancer-predisposing syndrome. Last evaluated: 2025-01-25. Review status: criteria provided, single submitter. Criteria: Ambry Variant Classification Scheme 2023. Collection method: clinical testing. Allele origin: germline.
Comment: The p.E2428Q variant (also known as c.7282G>C), located in coding exon 15 of the APC gene, results from a G to C substitution at nucleotide position 7282. The glutamic acid at codon 2428 is replaced by glutamine, an amino acid with highly similar properties. This amino acid position is conserved. In addition, in silico predictors for this gene do not accurately predict pathogenicity. Based on the available evidence, the clinical significance of this variant remains unclear.

Color Diagnostics, LLC DBA Color Health
Classification: Uncertain significance for Hereditary cancer-predisposing syndrome. Last evaluated: 2024-03-04. Review status: criteria provided, single submitter. Criteria: ACMG Guidelines, 2015. Collection method: clinical testing. Allele origin: germline.
Comment: This missense variant replaces glutamic acid with glutamine at codon 2428 of the APC protein. Computational prediction suggests that this variant may not impact protein structure and function (internally defined REVEL score threshold <= 0.5, PMID: 27666373). To our knowledge, functional studies have not been reported for this variant. This variant has not been reported in individuals affected with APC-related disorders in the literature. This variant has not been identified in the general population by the Genome Aggregation Database (gnomAD). The available evidence is insufficient to determine the role of this variant in disease conclusively. Therefore, this variant is classified as a Variant of Uncertain Significance.

All of Us Research Program, National Institutes of Health
Classification: Uncertain significance for Classic or attenuated familial adenomatous polyposis. Last evaluated: 2023-12-06. Review status: criteria provided, single submitter. Criteria: ACMG Guidelines, 2015. Collection method: clinical testing. Allele origin: germline. Inheritance: Autosomal dominant inheritance. Observed: 1 variant allele, 1 heterozygote.
Comment: This study involves interpretation of variants in research participants for the purpose of population health screening. Participant phenotype was not available at the time of variant classification. Additional details can be found in publication PMID: 35346344, PMCID: PMC8962531

Labcorp Genetics (formerly Invitae), Labcorp
Classification: Uncertain significance for Familial adenomatous polyposis 1. Last evaluated: 2021-09-02. Review status: criteria provided, single submitter. Criteria: Invitae Variant Classification Sherloc (09022015). Collection method: clinical testing. Allele origin: germline.
Comment: This variant has not been reported in the literature in individuals affected with APC-related conditions. In summary, the available evidence is currently insufficient to determine the role of this variant in disease. Therefore, it has been classified as a Variant of Uncertain Significance. Algorithms developed to predict the effect of missense changes on protein structure and function are either unavailable or do not agree on the potential impact of this missense change (SIFT: "Deleterious"; PolyPhen-2: "Probably Damaging"; Align-GVGD: "Class C0"). This variant is not present in population databases (ExAC no frequency). This sequence change replaces glutamic acid with glutamine at codon 2428 of the APC protein (p.Glu2428Gln). The glutamic acid residue is highly conserved and there is a small physicochemical difference between glutamic acid and glutamine.

NM_000038.6(APC):c.7282G>C (p.Glu2428Gln)

Gene: APC (APC regulator of Wnt signaling pathway; plus strand). Cytogenetic location: 5q22.2.
Variant type: single nucleotide variant.
Coding change: c.7282G>C on transcript NM_000038.6 (MANE Select); coding-DNA position 7282, G replaced by C.
Protein change: p.Glu2428Gln; replaces glutamic acid 2428 with glutamine.
Molecular consequence: missense variant.
Genome position (GRCh38, 1-based): chr5:112,842,876, G>C. VCF-style: chr5-112842876-G-C. GRCh37 (hg19) VCF-style: chr5-112178573-G-C.
Other names: c.7282G>C (NM_000038.5); c.7282G>C, p.Glu2428Gln (NM_001127510.3, NM_001354895.2); c.7228G>C, p.Glu2410Gln (NM_001127511.3); c.7336G>C, p.Glu2446Gln (NM_001354896.2); c.7312G>C, p.Glu2438Gln (NM_001354897.2); c.7207G>C, p.Glu2403Gln (NM_001354898.2); c.7198G>C, p.Glu2400Gln (NM_001354899.2); c.7159G>C, p.Glu2387Gln (NM_001354900.2); and 6 more; short protein forms E2145Q, E2327Q, E2337Q, E2400Q, E2428Q, E2438Q, E2446Q, E2387Q.
Identifiers: ClinVar variation 1379237 (VCV001379237.9), dbSNP rs2149983453, ClinGen allele CA16037189.